The following is an entry in ClinVar:

ClinVar aggregate classification (germline): Uncertain significance (1 of 4 stars; one submission).

Conditions:
Gastrointestinal stromal tumor. Also called: Gastrointestinal stromal tumor, somatic; Gastrointestinal stroma tumor. Identifiers: Orphanet 44890, MedGen C0238198, MeSH D046152, MONDO:0011719, OMIM 606764, HP:0100723.

Submission:

Labcorp Genetics (formerly Invitae), Labcorp
Classification: Uncertain significance for Gastrointestinal stromal tumor. Last evaluated: 2022-12-31. Review status: criteria provided, single submitter. Criteria: Invitae Variant Classification Sherloc (09022015). Collection method: clinical testing. Allele origin: germline.
Comment: In summary, the available evidence is currently insufficient to determine the role of this variant in disease. Therefore, it has been classified as a Variant of Uncertain Significance. Advanced modeling of protein sequence and biophysical properties (such as structural, functional, and spatial information, amino acid conservation, physicochemical variation, residue mobility, and thermodynamic stability) performed at Invitae indicates that this missense variant is not expected to disrupt PDGFRA protein function. This variant has not been reported in the literature in individuals affected with PDGFRA-related conditions. This variant is not present in population databases (gnomAD no frequency). This sequence change replaces aspartic acid, which is acidic and polar, with glutamic acid, which is acidic and polar, at codon 869 of the PDGFRA protein (p.Asp869Glu).

NM_006206.6(PDGFRA):c.2607C>A (p.Asp869Glu)

Gene: PDGFRA (platelet derived growth factor receptor alpha; plus strand). Cytogenetic location: 4q12.
Variant type: single nucleotide variant.
Coding change: c.2607C>A on transcript NM_006206.6 (MANE Select); coding-DNA position 2607, C replaced by A.
Protein change: p.Asp869Glu; replaces aspartic acid 869 with glutamic acid.
Molecular consequence: missense variant.
Genome position (GRCh38, 1-based): chr4:54,287,474, C>A. VCF-style: chr4-54287474-C-A. GRCh37 (hg19) VCF-style: chr4-55153641-C-A.
Other names: c.2682C>A, p.Asp894Glu (NM_001347828.2); c.2607C>A, p.Asp869Glu (NM_001347829.2); c.2646C>A, p.Asp882Glu (NM_001347830.2); short protein forms D882E, D869E, D894E.
Identifiers: ClinVar variation 2825318 (VCV002825318.3), dbSNP rs2110341403, ClinGen allele CA356895229.
Genomic context (GRCh38, chr4:54,287,474, plus strand): 5'-CCCTCCTTCCTTGCAGACCTTTCTGCCCGTGAAGTGGATGGCTCCTGAGAGCATCTTTGA[C>A]AACCTCTACACCACACTGAGTGATGTCTGGTCTTATGGCATTCTGCTCTGGGAGATCTTT-3'
Protein context (NP_006197.1, residues 859-879): VKWMAPESIF[Asp869Glu]NLYTTLSDVW